The following is an entry in ClinVar:

ClinVar aggregate classification (germline): Uncertain significance (1 of 4 stars; one submission).

Submission:

Labcorp Genetics (formerly Invitae), Labcorp
Classification: Uncertain significance. Last evaluated: 2023-04-30. Review status: criteria provided, single submitter. Criteria: Invitae Variant Classification Sherloc (09022015). Collection method: clinical testing. Allele origin: unknown.
Comment: In summary, the available evidence is currently insufficient to determine the role of this variant in disease. Therefore, it has been classified as a Variant of Uncertain Significance. This variant has not been reported in the literature in individuals affected with DNAAF4-related conditions. This variant results in a copy number gain of the genomic region encompassing exon(s) 6-10 of the DNAAF4 gene. This region includes the termination codon of the gene. This copy number gain extends beyond the assayed region for this gene and therefore may encompass additional genes. As the precise location of this event is unknown, it may be in tandem or it may be located elsewhere in the genome.

NC_000015.9:g.(?_55722868)_(55742585_?)dup

Gene: DNAAF4 (dynein axonemal assembly factor 4; minus strand). Cytogenetic location: 15q21.3.
Variant type: Duplication.
Identifiers: ClinVar variation 3243906 (VCV003243906.1).